The following is an entry in ClinVar:

ClinVar aggregate classification (germline): Pathogenic/Likely pathogenic. Review status: criteria provided, multiple submitters, no conflicts (2 of 4 stars). 2 submissions from 2 submitters: Pathogenic (1); Likely pathogenic (1). Last evaluated 2023-11-06.

Allele frequency attached by ClinVar (database versions not stated): TOPMed 0.00002.
gnomAD v4.1: 6 of 1,571,884 alleles (0.00038%); highest among the groups gnomAD compares: African/African-American, 0.0027%; no homozygotes.

Submissions (2):

GeneDx
Classification: Likely pathogenic. Last evaluated: 2023-11-06. Review status: criteria provided, single submitter. Criteria: GeneDx Variant Classification Process June 2021. Collection method: clinical testing. Allele origin: germline. Affected: yes.
Comment: Nonsense variant predicted to result in protein truncation or nonsense mediated decay in a gene for which loss of function is a known mechanism of disease; Not observed at significant frequency in large population cohorts (gnomAD); Has not been previously published as pathogenic or benign to our knowledge

Labcorp Genetics (formerly Invitae), Labcorp
Classification: Pathogenic. Last evaluated: 2017-12-21. Review status: criteria provided, single submitter. Criteria: Invitae Variant Classification Sherloc (09022015). Collection method: clinical testing. Allele origin: germline.
Comment: This sequence change creates a premature translational stop signal (p.Arg31*) in the TRAPPC9 gene. It is expected to result in an absent or disrupted protein product. This variant is not present in population databases (ExAC no frequency). This variant has not been reported in the literature in individuals with TRAPPC9-related disease. Loss-of-function variants in TRAPPC9 are known to be pathogenic (PMID: 2000476, 20004763, 20004764). For these reasons, this variant has been classified as Pathogenic.

Literature cited by the submitters: PubMed 2000476 (cited by Labcorp Genetics (formerly Invitae), Labcorp); PubMed 20004763 (cited by Labcorp Genetics (formerly Invitae), Labcorp); PubMed 20004764 (cited by Labcorp Genetics (formerly Invitae), Labcorp).

NM_031466.8(TRAPPC9):c.-204C>T

Gene: TRAPPC9 (trafficking protein particle complex subunit 9; minus strand). Cytogenetic location: 8q24.3.
Variant type: single nucleotide variant.
Coding change: c.-204C>T on transcript NM_031466.8; 204 bases upstream of the start codon, C replaced by T.
Molecular consequence: 5 prime UTR variant.
Genome position (GRCh38, 1-based): chr8:140,458,474, G>A on the plus strand (C>T on the coding strand, the complement: TRAPPC9 is on the minus strand). VCF-style: chr8-140458474-G-A. GRCh37 (hg19) VCF-style: chr8-141468573-G-A.
Identifiers: ClinVar variation 1071402 (VCV001071402.8), dbSNP rs1297489863, ClinGen allele CA372321254.